The following is an entry in ClinVar:

ClinVar aggregate classification (germline): Uncertain significance (1 of 4 stars; one submission).

gnomAD v4.1: 2 of 1,614,040 alleles (0.00012%); highest among the groups gnomAD compares: Non-Finnish European, 0.00017%; no homozygotes.

Submission:

Labcorp Genetics (formerly Invitae), Labcorp
Classification: Uncertain significance. Last evaluated: 2021-11-03. Review status: criteria provided, single submitter. Criteria: Invitae Variant Classification Sherloc (09022015). Collection method: clinical testing. Allele origin: germline.
Comment: In summary, the available evidence is currently insufficient to determine the role of this variant in disease. Therefore, it has been classified as a Variant of Uncertain Significance. Algorithms developed to predict the effect of missense changes on protein structure and function are either unavailable or do not agree on the potential impact of this missense change (SIFT: "Deleterious"; PolyPhen-2: "Possibly Damaging"; Align-GVGD: "Class C0"). This variant has not been reported in the literature in individuals affected with ARID1B-related conditions. This variant is not present in population databases (gnomAD no frequency). This sequence change replaces proline, which is neutral and non-polar, with leucine, which is neutral and non-polar, at codon 732 of the ARID1B protein (p.Pro732Leu).

NM_001374828.1(ARID1B):c.2405C>T (p.Pro802Leu)

Gene: ARID1B (AT-rich interaction domain 1B; plus strand). Cytogenetic location: 6q25.3.
Variant type: single nucleotide variant.
Coding change: c.2405C>T on transcript NM_001374828.1 (MANE Select); coding-DNA position 2405, C replaced by T.
Protein change: p.Pro802Leu; replaces proline 802 with leucine.
Molecular consequence: missense variant. On other transcripts: 5 prime UTR variant (1).
Genome position (GRCh38, 1-based): chr6:157,084,819, C>T. VCF-style: chr6-157084819-C-T. GRCh37 (hg19) VCF-style: chr6-157405953-C-T.
Other names: c.-95C>T (NM_001363725.2); c.2444C>T, p.Pro815Leu (NM_001371656.1, NM_001374820.1); c.2405C>T, p.Pro802Leu (NM_017519.3); short protein forms P802L, P815L.
Identifiers: ClinVar variation 1352103 (VCV001352103.6), dbSNP rs1318967699, ClinGen allele CA366387336.